The following is an entry in ClinVar:

NM_005902.4(SMAD3):c.581A>G (p.His194Arg)

Gene: SMAD3 (SMAD family member 3; plus strand). Cytogenetic location: 15q22.33.
Variant type: single nucleotide variant.
Coding change: c.581A>G on transcript NM_005902.4 (MANE Select); coding-DNA position 581, A replaced by G.
Protein change: p.His194Arg; replaces histidine 194 with arginine.
Molecular consequence: missense variant. On other transcripts: 5 prime UTR variant (2).
Genome position (GRCh38, 1-based): chr15:67,166,827, A>G. VCF-style: chr15-67166827-A-G. GRCh37 (hg19) VCF-style: chr15-67459165-A-G.
Other names: c.266A>G, p.His89Arg (NM_001145102.2, NM_001407016.1); c.449A>G, p.His150Arg (NM_001145103.2, NM_001407012.1); c.-5A>G (NM_001145104.2, NM_001407017.1); c.581A>G, p.His194Arg (NM_001407011.1, NM_001407013.1); c.434A>G, p.His145Arg (NM_001407014.1); c.134A>G, p.His45Arg (NM_001407015.1); short protein forms H150R, H45R, H89R, H194R, H145R.
Identifiers: ClinVar variation 3686820 (VCV003686820.3).

ClinVar aggregate classification (germline): Uncertain significance. Review status: criteria provided, multiple submitters, no conflicts (2 of 4 stars). 2 submissions from 2 submitters: Uncertain significance (2). Last evaluated 2024-11-18.

Conditions:
Familial thoracic aortic aneurysm and aortic dissection (TAAD). Also called: Thoracic aortic aneurysms and dissections. Identifiers: Orphanet 91387, MedGen C4707243, MONDO:0019625.

gnomAD v4.1: 1 of 1,595,740 alleles (0.000063%); highest among the groups gnomAD compares: Non-Finnish European, 0.000085%; no homozygotes.

Submissions (2):

Color Diagnostics, LLC DBA Color Health
Classification: Uncertain significance for Familial thoracic aortic aneurysm and aortic dissection. Last evaluated: 2024-11-18. Review status: criteria provided, single submitter. Criteria: ACMG Guidelines, 2015. Collection method: clinical testing. Allele origin: germline.
Comment: This missense variant replaces histidine with arginine at codon 194 of the SMAD3 protein. Computational prediction suggests that this variant may not impact protein structure and function. To our knowledge, functional studies have not been reported for this variant. This variant has not been reported in individuals affected with SMAD3-related disorders in the literature. This variant has not been identified in the general population by the Genome Aggregation Database (gnomAD). The available evidence is insufficient to determine the role of this variant in disease conclusively. Therefore, this variant is classified as a Variant of Uncertain Significance.

Labcorp Genetics (formerly Invitae), Labcorp
Classification: Uncertain significance for Familial thoracic aortic aneurysm and aortic dissection. Last evaluated: 2024-10-06. Review status: criteria provided, single submitter. Criteria: Invitae Variant Classification Sherloc (09022015). Collection method: clinical testing. Allele origin: germline.
Comment: This sequence change replaces histidine, which is basic and polar, with arginine, which is basic and polar, at codon 194 of the SMAD3 protein (p.His194Arg). This variant is not present in population databases (gnomAD no frequency). This variant has not been reported in the literature in individuals affected with SMAD3-related conditions. Invitae Evidence Modeling of protein sequence and biophysical properties (such as structural, functional, and spatial information, amino acid conservation, physicochemical variation, residue mobility, and thermodynamic stability) indicates that this missense variant is not expected to disrupt SMAD3 protein function with a negative predictive value of 80%. In summary, the available evidence is currently insufficient to determine the role of this variant in disease. Therefore, it has been classified as a Variant of Uncertain Significance.